The following is an entry in ClinVar:

NM_000051.4(ATM):c.5546T>G (p.Ile1849Ser)

Gene: ATM (ATM serine/threonine kinase; plus strand). Cytogenetic location: 11q22.3.
Variant type: single nucleotide variant.
Coding change: c.5546T>G on transcript NM_000051.4 (MANE Select); coding-DNA position 5546, T replaced by G.
Protein change: p.Ile1849Ser; replaces isoleucine 1849 with serine.
Molecular consequence: missense variant.
Genome position (GRCh38, 1-based): chr11:108,304,724, T>G. VCF-style: chr11-108304724-T-G. GRCh37 (hg19) VCF-style: chr11-108175451-T-G.
Other names: c.5546T>G, p.Ile1849Ser (NM_001351834.2); short protein forms I1849S.
Identifiers: ClinVar variation 3640358 (VCV003640358.2).

ClinVar aggregate classification (germline): Uncertain significance (1 of 4 stars; one submission).

Conditions:
Ataxia-telangiectasia syndrome (AT). Also called: ATAXIA-TELANGIECTASIA, COMPLEMENTATION GROUP A; ATAXIA-TELANGIECTASIA, FRESNO VARIANT; LOUIS-BAR SYNDROME; Cerebello-oculocutaneous telangiectasia; Immunodeficiency with ataxia telangiectasia; Ataxia-telangiectasia, complementation group E. Identifiers: Orphanet 100, MedGen C0004135, MONDO:0008840, OMIM 208900.

Submission:

Labcorp Genetics (formerly Invitae), Labcorp
Classification: Uncertain significance for Ataxia-telangiectasia syndrome. Last evaluated: 2024-02-12. Review status: criteria provided, single submitter. Criteria: Invitae Variant Classification Sherloc (09022015). Collection method: clinical testing. Allele origin: germline.
Comment: This sequence change replaces isoleucine, which is neutral and non-polar, with serine, which is neutral and polar, at codon 1849 of the ATM protein (p.Ile1849Ser). This variant is not present in population databases (gnomAD no frequency). This variant has not been reported in the literature in individuals affected with ATM-related conditions. An algorithm developed to predict the effect of missense changes on protein structure and function (PolyPhen-2) suggests that this variant is likely to be disruptive. In summary, the available evidence is currently insufficient to determine the role of this variant in disease. Therefore, it has been classified as a Variant of Uncertain Significance.